The following is an entry in ClinVar:

ClinVar aggregate classification (germline): Uncertain significance. Review status: criteria provided, multiple submitters, no conflicts (2 of 4 stars). 2 submissions from 2 submitters: Uncertain significance (2). Last evaluated 2024-02-24.

Conditions:
Macular degeneration. Also called: Degenerative disorder of macula. Identifiers: MedGen C0024437, MONDO:0003004, HP:0000608.

Allele frequency attached by ClinVar (database versions not stated): gnomAD exomes 0.00001 and 0.00007; TOPMed 0.00001; gnomAD 0.00003.
gnomAD v4.1: 79 of 1,313,662 alleles (0.006%); highest among the groups gnomAD compares: Non-Finnish European, 0.0078%; no homozygotes.

Submissions (2):

Labcorp Genetics (formerly Invitae), Labcorp
Classification: Uncertain significance. Last evaluated: 2024-02-24. Review status: criteria provided, single submitter. Criteria: Invitae Variant Classification Sherloc (09022015). Collection method: clinical testing. Allele origin: germline.
Comment: This sequence change replaces proline, which is neutral and non-polar, with serine, which is neutral and polar, at codon 4 of the HTRA1 protein (p.Pro4Ser). The frequency data for this variant in the population databases is considered unreliable, as metrics indicate poor data quality at this position in the gnomAD database. This variant has not been reported in the literature in individuals affected with HTRA1-related conditions. ClinVar contains an entry for this variant (Variation ID: 877205). Algorithms developed to predict the effect of missense changes on protein structure and function output the following: SIFT: "Not Available"; PolyPhen-2: "Not Available"; Align-GVGD: "Not Available". The serine amino acid residue is found in multiple mammalian species, which suggests that this missense change does not adversely affect protein function. In summary, the available evidence is currently insufficient to determine the role of this variant in disease. Therefore, it has been classified as a Variant of Uncertain Significance.

Illumina Laboratory Services, Illumina
Classification: Uncertain significance for Macular degeneration. Last evaluated: 2018-01-12. Review status: criteria provided, single submitter. Criteria: ICSL Variant Classification Criteria 13 December 2019. Collection method: clinical testing. Allele origin: germline.

NM_002775.5(HTRA1):c.10C>T (p.Pro4Ser)

Gene: HTRA1 (HtrA serine peptidase 1; plus strand). Cytogenetic location: 10q26.13.
Variant type: single nucleotide variant.
Coding change: c.10C>T on transcript NM_002775.5 (MANE Select); coding-DNA position 10, C replaced by T.
Protein change: p.Pro4Ser; replaces proline 4 with serine.
Molecular consequence: missense variant.
Genome position (GRCh38, 1-based): chr10:122,461,662, C>T. VCF-style: chr10-122461662-C-T. GRCh37 (hg19) VCF-style: chr10-124221178-C-T.
Other names: short protein forms P4S.
Identifiers: ClinVar variation 877205 (VCV000877205.6), dbSNP rs1325725955, ClinGen allele CA378605133.
Genomic context (GRCh38, chr10:122,461,662, plus strand): 5'-TCTCCGGCCCTCGCCCTGTCCGCCGCCACCGCCGCCGCCGCCAGAGTCGCCATGCAGATC[C>T]CGCGCGCCGCTCTTCTCCCGCTGCTGCTGCTGCTGCTGGCGGCGCCCGCCTCGGCGCAGC-3'
Protein context (NP_002766.1, residues 1-14): MQI[Pro4Ser]RAALLPLLLL